The following is an entry in ClinVar:

NM_021098.3(CACNA1H):c.3338C>G (p.Pro1113Arg)

Gene: CACNA1H (calcium voltage-gated channel subunit alpha1 H; plus strand). Cytogenetic location: 16p13.3.
Variant type: single nucleotide variant.
Coding change: c.3338C>G on transcript NM_021098.3 (MANE Select); coding-DNA position 3338, C replaced by G.
Protein change: p.Pro1113Arg; replaces proline 1113 with arginine.
Molecular consequence: missense variant.
Genome position (GRCh38, 1-based): chr16:1,208,196, C>G. VCF-style: chr16-1208196-C-G. GRCh37 (hg19) VCF-style: chr16-1258196-C-G.
Other names: c.3338C>G, p.Pro1113Arg (NM_001005407.2); short protein forms P1113R.
Identifiers: ClinVar variation 1716621 (VCV001716621.5), dbSNP rs753159318, ClinGen allele CA394172373.

ClinVar aggregate classification (germline): Uncertain significance (1 of 4 stars; one submission).

Conditions:
Idiopathic generalized epilepsy. Also called: Generalised epilepsy; EIG. Identifiers: MedGen C0270850, MONDO:0005579, OMIM 600669.
Hyperaldosteronism, familial, type IV (HALD4). Also called: FH IV; ALDOSTERONISM, PRIMARY, AND HYPERTENSION. Identifiers: Orphanet 642671, MedGen C4310756, MONDO:0014875, OMIM 617027.

Submission:

Labcorp Genetics (formerly Invitae), Labcorp
Classification: Uncertain significance for Idiopathic generalized epilepsy; Hyperaldosteronism, familial, type IV. Last evaluated: 2022-09-01. Review status: criteria provided, single submitter. Criteria: Invitae Variant Classification Sherloc (09022015). Collection method: clinical testing. Allele origin: germline.
Comment: In summary, the available evidence is currently insufficient to determine the role of this variant in disease. Therefore, it has been classified as a Variant of Uncertain Significance. Advanced modeling of protein sequence and biophysical properties (such as structural, functional, and spatial information, amino acid conservation, physicochemical variation, residue mobility, and thermodynamic stability) performed at Invitae indicates that this missense variant is not expected to disrupt CACNA1H protein function. This variant has not been reported in the literature in individuals affected with CACNA1H-related conditions. This variant is not present in population databases (gnomAD no frequency). This sequence change replaces proline, which is neutral and non-polar, with arginine, which is basic and polar, at codon 1113 of the CACNA1H protein (p.Pro1113Arg).